The following is an entry in ClinVar:

ClinVar aggregate classification (germline): Uncertain significance (1 of 4 stars; one submission).

Submission:

Ambry Genetics
Classification: Uncertain significance. Last evaluated: 2024-09-15. Review status: criteria provided, single submitter. Criteria: Ambry Variant Classification Scheme 2023. Collection method: clinical testing. Allele origin: germline.
Comment: The p.L1064P variant (also known as c.3191T>C), located in coding exon 1 of the MLH3 gene, results from a T to C substitution at nucleotide position 3191. The leucine at codon 1064 is replaced by proline, an amino acid with similar properties. This amino acid position is conserved. In addition, this alteration is predicted to be deleterious by in silico analysis. Based on the available evidence, the clinical significance of this variant remains unclear.

NM_001040108.2(MLH3):c.3191T>C (p.Leu1064Pro)

Gene: MLH3 (mutL homolog 3; minus strand). Cytogenetic location: 14q24.3.
Variant type: single nucleotide variant.
Coding change: c.3191T>C on transcript NM_001040108.2 (MANE Select); coding-DNA position 3191, T replaced by C.
Protein change: p.Leu1064Pro; replaces leucine 1064 with proline.
Molecular consequence: missense variant.
Genome position (GRCh38, 1-based): chr14:75,046,465, A>G on the plus strand (T>C on the coding strand, the complement: MLH3 is on the minus strand). VCF-style: chr14-75046465-A-G. GRCh37 (hg19) VCF-style: chr14-75513168-A-G.
Other names: c.3191T>C, p.Leu1064Pro (NM_014381.3); short protein forms L1064P.
Identifiers: ClinVar variation 3396719 (VCV003396719.1).